The following is an entry in ClinVar:

NM_032816.5(CEP89):c.408C>A (p.Ser136Arg)

Gene: CEP89 (centrosomal protein 89; minus strand). Cytogenetic location: 19q13.11.
Variant type: single nucleotide variant.
Coding change: c.408C>A on transcript NM_032816.5 (MANE Select); coding-DNA position 408, C replaced by A.
Protein change: p.Ser136Arg; replaces serine 136 with arginine.
Molecular consequence: missense variant.
Genome position (GRCh38, 1-based): chr19:32,953,699, G>T on the plus strand (C>A on the coding strand, the complement: CEP89 is on the minus strand). VCF-style: chr19-32953699-G-T. GRCh37 (hg19) VCF-style: chr19-33444605-G-T.
Other names: short protein forms S136R.
Identifiers: ClinVar variation 4690740 (VCV004690740.1).

ClinVar aggregate classification (germline): Uncertain significance (1 of 4 stars; one submission).

gnomAD v4.1: 5 of 1,613,738 alleles (0.00031%); highest among the groups gnomAD compares: African/African-American, 0.0067%; no homozygotes.

Submission:

Labcorp Genetics (formerly Invitae), Labcorp
Classification: Uncertain significance. Last evaluated: 2025-07-24. Review status: criteria provided, single submitter. Criteria: Invitae Variant Classification Sherloc (09022015). Collection method: clinical testing. Allele origin: germline.
Comment: This sequence change replaces serine, which is neutral and polar, with arginine, which is basic and polar, at codon 136 of the CEP89 protein (p.Ser136Arg). This variant is present in population databases (rs143380110, gnomAD 0.01%). This variant has not been reported in the literature in individuals affected with CEP89-related conditions. An algorithm developed to predict the effect of missense changes on protein structure and function (PolyPhen-2) suggests that this variant is likely to be tolerated. In summary, the available evidence is currently insufficient to determine the role of this variant in disease. Therefore, it has been classified as a Variant of Uncertain Significance.